The following is an entry in ClinVar:

ClinVar aggregate classification (germline): Uncertain significance (1 of 4 stars; one submission).

Conditions:
Emery-Dreifuss muscular dystrophy 5, autosomal dominant (EDMD5). Also called: EMERY-DREIFUSS MUSCULAR DYSTROPHY 5. Identifiers: Orphanet 261, MedGen C2751805, MONDO:0013072, OMIM 612999.

gnomAD v4.1: 1 of 1,613,928 alleles (0.000062%); highest among the groups gnomAD compares: African/African-American, 0.0013%; no homozygotes.

Submission:

Labcorp Genetics (formerly Invitae), Labcorp
Classification: Uncertain significance for Emery-Dreifuss muscular dystrophy 5, autosomal dominant. Last evaluated: 2025-08-14. Review status: criteria provided, single submitter. Criteria: Invitae Variant Classification Sherloc (09022015). Collection method: clinical testing. Allele origin: germline.
Comment: This sequence change replaces alanine, which is neutral and non-polar, with valine, which is neutral and non-polar, at codon 1701 of the SYNE2 protein (p.Ala1701Val). This variant is present in population databases (no rsID available, gnomAD 0.007%). This variant has not been reported in the literature in individuals affected with SYNE2-related conditions. An algorithm developed to predict the effect of missense changes on protein structure and function (PolyPhen-2) suggests that this variant is likely to be disruptive. In summary, the available evidence is currently insufficient to determine the role of this variant in disease. Therefore, it has been classified as a Variant of Uncertain Significance.

NM_182914.3(SYNE2):c.5102C>T (p.Ala1701Val)

Gene: SYNE2 (spectrin repeat containing nuclear envelope protein 2; plus strand). Cytogenetic location: 14q23.2.
Variant type: single nucleotide variant.
Coding change: c.5102C>T on transcript NM_182914.3 (MANE Select); coding-DNA position 5102, C replaced by T.
Protein change: p.Ala1701Val; replaces alanine 1701 with valine.
Molecular consequence: missense variant.
Genome position (GRCh38, 1-based): chr14:64,020,044, C>T. VCF-style: chr14-64020044-C-T. GRCh37 (hg19) VCF-style: chr14-64486762-C-T.
Other names: c.5102C>T, p.Ala1701Val (NM_015180.6); short protein forms A1701V.
Identifiers: ClinVar variation 4811203 (VCV004811203.1).
Genomic context (GRCh38, chr14:64,020,044, plus strand): 5'-TGTTTTAGGAAGAATTACAAGTCCATGAACAAAAAACTTCAGAATTTTCTAGAAGAGTGG[C>T]TGAAATACAGTTTTTGCTCCAAAGCAGTGAAATACCTCTTGAATTGCAGGTAAGAATTTT-3'
Protein context (NP_878918.2, residues 1691-1711): QKTSEFSRRV[Ala1701Val]EIQFLLQSSE